The following is an entry in ClinVar:

NM_005359.6(SMAD4):c.593C>A (p.Pro198Gln)

Gene: SMAD4 (SMAD family member 4; plus strand). Cytogenetic location: 18q21.2.
Variant type: single nucleotide variant.
Coding change: c.593C>A on transcript NM_005359.6 (MANE Select); coding-DNA position 593, C replaced by A.
Protein change: p.Pro198Gln; replaces proline 198 with glutamine.
Molecular consequence: missense variant.
Genome position (GRCh38, 1-based): chr18:51,054,919, C>A. VCF-style: chr18-51054919-C-A. GRCh37 (hg19) VCF-style: chr18-48581289-C-A.
Other names: c.593C>A, p.Pro198Gln (NM_001407041.1, NM_001407042.1, NM_001407043.1); short protein forms P198Q.
Identifiers: ClinVar variation 1750609 (VCV001750609.2), dbSNP rs1189715258, ClinGen allele CA402461091.
Genomic context (GRCh38, chr18:51,054,919, plus strand): 5'-CAATTCAAACCATCCAGCATCCACCAAGTAATCGTGCATCGACAGAGACATACAGCACCC[C>A]AGCTCTGTTAGCCCCATCTGAGTCTAATGCTACCAGCACTGCCAACTTTCCCAACATTCC-3'
Protein context (NP_005350.1, residues 188-208): NRASTETYST[Pro198Gln]ALLAPSESNA

ClinVar aggregate classification (germline): Uncertain significance (1 of 4 stars; one submission).

Conditions:
Familial thoracic aortic aneurysm and aortic dissection (TAAD). Also called: Thoracic aortic aneurysms and dissections. Identifiers: Orphanet 91387, MedGen C4707243, MONDO:0019625.
Hereditary cancer-predisposing syndrome. Also called: Hereditary Cancer Syndrome; Hereditary neoplastic syndrome; Neoplastic Syndromes, Hereditary; Tumor predisposition. Identifiers: Orphanet 140162, MedGen C0027672, MeSH D009386, MONDO:0015356.

Submission:

Ambry Genetics
Classification: Uncertain significance for Hereditary cancer-predisposing syndrome; Familial thoracic aortic aneurysm and aortic dissection. Last evaluated: 2021-11-29. Review status: criteria provided, single submitter. Criteria: Ambry Variant Classification Scheme 2023. Collection method: clinical testing. Allele origin: germline.
Comment: The p.P198Q variant (also known as c.593C>A), located in coding exon 4 of the SMAD4 gene, results from a C to A substitution at nucleotide position 593. The proline at codon 198 is replaced by glutamine, an amino acid with similar properties. This amino acid position is highly conserved in available vertebrate species. In addition, this alteration is predicted to be deleterious by in silico analysis. Since supporting evidence is limited at this time, the clinical significance of this alteration remains unclear.